The following is an entry in ClinVar:

ClinVar aggregate classification (germline): Conflicting classifications of pathogenicity. Review status: criteria provided, conflicting classifications (1 of 4 stars). 5 submissions from 5 submitters: Uncertain significance (1); Benign (2); Likely benign (2). Last evaluated 2025-05-15.

Conditions:
Hereditary cancer-predisposing syndrome. Also called: Hereditary neoplastic syndrome; Hereditary Cancer Syndrome; Neoplastic Syndromes, Hereditary; Tumor predisposition. Identifiers: Orphanet 140162, MedGen C0027672, MeSH D009386, MONDO:0015356.
Tuberous sclerosis 2 (TSC2). Identifiers: Orphanet 805, MedGen C1860707, MONDO:0013199, OMIM 613254.
Isolated focal cortical dysplasia type II (FCORD2). Also called: CORTICAL DYSPLASIA OF TAYLOR; Focal cortical dysplasia type II. Identifiers: Orphanet 268994, MedGen C1846385, MONDO:0011818, OMIM 607341, HP:0032051.
Lymphangiomyomatosis (LAM). Also called: Lymphangioleiomyomatosis; Lymphangioleiomyomatosis, somatic. Identifiers: Orphanet 538, MedGen C0751674, MONDO:0011705, OMIM 606690.

Allele frequency attached by ClinVar (database versions not stated): gnomAD exomes below 0.00001 and 0.00002; TOPMed below 0.00001; ExAC 0.00001.
gnomAD v4.1: 25 of 1,613,852 alleles (0.0015%); highest among the groups gnomAD compares: South Asian, 0.0022%; no homozygotes.

Submissions (5):

Myriad Genetics, Inc.
Classification: Benign for Tuberous sclerosis 2. Last evaluated: 2025-05-15. Review status: criteria provided, single submitter. Criteria: Myriad Autosomal Dominant, Autosomal Recessive and X-Linked Classification Criteria (2023). Collection method: clinical testing. Allele origin: unknown.
Comment: This variant is considered benign. This variant is a silent/synonymous amino acid change and it is not expected to impact splicing.

Labcorp Genetics (formerly Invitae), Labcorp
Classification: Benign for Tuberous sclerosis 2. Last evaluated: 2024-10-10. Review status: criteria provided, single submitter. Criteria: Invitae Variant Classification Sherloc (09022015). Collection method: clinical testing. Allele origin: germline.

Blueprint Genetics
Classification: Likely benign. Last evaluated: 2022-09-07. Review status: criteria provided, single submitter. Criteria: ACMG Guidelines, 2015. Collection method: clinical testing. Allele origin: germline.

Ambry Genetics
Classification: Likely benign for Hereditary cancer-predisposing syndrome. Last evaluated: 2022-06-13. Review status: criteria provided, single submitter. Criteria: Ambry Variant Classification Scheme 2023. Collection method: clinical testing. Allele origin: germline.

Fulgent Genetics
Classification: Uncertain significance for Lymphangiomyomatosis; Isolated focal cortical dysplasia type II; Tuberous sclerosis 2. Last evaluated: 2022-03-03. Review status: criteria provided, single submitter. Criteria: ACMG Guidelines, 2015. Collection method: clinical testing. Allele origin: unknown.

NM_000548.5(TSC2):c.1671G>A (p.Leu557=)

Gene: TSC2 (TSC complex subunit 2; plus strand). Cytogenetic location: 16p13.3.
Variant type: single nucleotide variant.
Coding change: c.1671G>A on transcript NM_000548.5 (MANE Select); coding-DNA position 1671, G replaced by A.
Protein change: p.Leu557=; no amino-acid change (leucine 557 retained).
Molecular consequence: synonymous variant.
Genome position (GRCh38, 1-based): chr16:2,065,590, G>A. VCF-style: chr16-2065590-G-A. GRCh37 (hg19) VCF-style: chr16-2115591-G-A.
Other names: c.1671G>A, p.Leu557= (NM_001077183.3, NM_001114382.3, NM_001363528.2 and 3 more transcripts); c.1560G>A, p.Leu520= (NM_001318827.2); c.1524G>A, p.Leu508= (NM_001318829.2); c.1071G>A, p.Leu357= (NM_001318831.2); c.1704G>A, p.Leu568= (NM_001318832.2).
Identifiers: ClinVar variation 940003 (VCV000940003.13), dbSNP rs761975891, ClinGen allele CA032181.
Genomic context (GRCh38, chr16:2,065,590, plus strand): 5'-CTCCCTCTCCCCACCCCCGGAGCTGGAAGAAAGGGATGTGGCCGCATACTCGGCCTCCTT[G>A]GAGGATGTGAAGACAGCCGTCCTGGGGCTTCTGGTCATCCTTCAGGTGGGTGTTCTGCAC-3'
Protein context (NP_000539.2, residues 547-567): ERDVAAYSAS[Leu557=]EDVKTAVLGL